The following is an entry in ClinVar:

ClinVar aggregate classification (germline): Uncertain significance (1 of 4 stars; one submission).

Allele frequency attached by ClinVar (database versions not stated): ExAC 0.00002; gnomAD 0.00003; TOPMed 0.00003; ESP Exome Variant Server 0.00015; 1000 Genomes Project 30x 0.00016; 1000 Genomes Project 0.00020.
gnomAD v4.1: 7 of 1,614,176 alleles (0.00043%); highest among the groups gnomAD compares: African/African-American, 0.0093%; no homozygotes.

Submission:

Labcorp Genetics (formerly Invitae), Labcorp
Classification: Uncertain significance. Last evaluated: 2022-10-13. Review status: criteria provided, single submitter. Criteria: Invitae Variant Classification Sherloc (09022015). Collection method: clinical testing. Allele origin: germline.
Comment: This sequence change replaces histidine, which is basic and polar, with arginine, which is basic and polar, at codon 377 of the ORC1 protein (p.His377Arg). This variant is present in population databases (rs369381928, gnomAD 0.01%). This variant has not been reported in the literature in individuals affected with ORC1-related conditions. Advanced modeling of protein sequence and biophysical properties (such as structural, functional, and spatial information, amino acid conservation, physicochemical variation, residue mobility, and thermodynamic stability) performed at Invitae indicates that this missense variant is not expected to disrupt ORC1 protein function. In summary, the available evidence is currently insufficient to determine the role of this variant in disease. Therefore, it has been classified as a Variant of Uncertain Significance.

NM_004153.4(ORC1):c.1130A>G (p.His377Arg)

Gene: ORC1 (origin recognition complex subunit 1; minus strand). Cytogenetic location: 1p32.3.
Variant type: single nucleotide variant.
Coding change: c.1130A>G on transcript NM_004153.4 (MANE Select); coding-DNA position 1130, A replaced by G.
Protein change: p.His377Arg; replaces histidine 377 with arginine.
Molecular consequence: missense variant.
Genome position (GRCh38, 1-based): chr1:52,389,274, T>C on the plus strand (A>G on the coding strand, the complement: ORC1 is on the minus strand). VCF-style: chr1-52389274-T-C. GRCh37 (hg19) VCF-style: chr1-52854946-T-C.
Other names: c.1130A>G, p.His377Arg (NM_001190818.2, NM_001190819.2); short protein forms H377R.
Identifiers: ClinVar variation 1921314 (VCV001921314.2), dbSNP rs369381928, ClinGen allele CA853423.
Genomic context (GRCh38, chr1:52,389,274, plus strand): 5'-TACCGAAGCTGCTGCCTAATCCGATTCATAGTCAAGACAGAACTCTTTCTGCGGATACGA[T>C]GGGGAGTAGAGGTCGCTTCATTCTGGGCTTTTGCTTCTTTTGCATCCCTGCAAGAAACCA-3'
Protein context (NP_004144.2, residues 367-387): KAQNEATSTP[His377Arg]RIRRKSSVLT